The following is an entry in ClinVar:

ClinVar aggregate classification (germline): Uncertain significance. Review status: criteria provided, multiple submitters, no conflicts (2 of 4 stars). 2 submissions from 2 submitters: Uncertain significance (2). Last evaluated 2025-08-31.

Conditions:
Hereditary cancer-predisposing syndrome. Also called: Neoplastic Syndromes, Hereditary; Hereditary Cancer Syndrome; Hereditary neoplastic syndrome; Tumor predisposition. Identifiers: Orphanet 140162, MedGen C0027672, MeSH D009386, MONDO:0015356.
Retinoblastoma (RB1). Also called: RETINOBLASTOMA, SOMATIC. Identifiers: Orphanet 790, MedGen C0035335, MeSH D012175, MONDO:0008380, OMIM 180200, HP:0009919. Disease mechanism: loss of function. Inheritance: Both sporadic and heritable forms are tested..

Submissions (2):

Ambry Genetics
Classification: Uncertain significance for Hereditary cancer-predisposing syndrome. Last evaluated: 2025-08-31. Review status: criteria provided, single submitter. Criteria: Ambry Variant Classification Scheme 2023. Collection method: clinical testing. Allele origin: germline.
Comment: The p.M558V variant (also known as c.1672A>G), located in coding exon 17 of the RB1 gene, results from an A to G substitution at nucleotide position 1672. The methionine at codon 558 is replaced by valine, an amino acid with highly similar properties. This amino acid position is conserved. In addition, the in silico prediction for this alteration is inconclusive. Based on the available evidence, the clinical significance of this variant remains unclear.

Labcorp Genetics (formerly Invitae), Labcorp
Classification: Uncertain significance for Retinoblastoma. Last evaluated: 2022-01-27. Review status: criteria provided, single submitter. Criteria: Invitae Variant Classification Sherloc (09022015). Collection method: clinical testing. Allele origin: germline.
Comment: This variant is present in population databases (no rsID available, gnomAD 0.007%). This sequence change replaces methionine, which is neutral and non-polar, with valine, which is neutral and non-polar, at codon 558 of the RB1 protein (p.Met558Val). This variant has not been reported in the literature in individuals affected with RB1-related conditions. Algorithms developed to predict the effect of missense changes on protein structure and function are either unavailable or do not agree on the potential impact of this missense change (SIFT: "Deleterious"; PolyPhen-2: "Probably Damaging"; Align-GVGD: "Class C15"). In summary, the available evidence is currently insufficient to determine the role of this variant in disease. Therefore, it has been classified as a Variant of Uncertain Significance.

NM_000321.3(RB1):c.1672A>G (p.Met558Val)

Gene: RB1 (RB transcriptional corepressor 1; plus strand). Cytogenetic location: 13q14.2.
Variant type: single nucleotide variant.
Coding change: c.1672A>G on transcript NM_000321.3 (MANE Select); coding-DNA position 1672, A replaced by G.
Protein change: p.Met558Val; replaces methionine 558 with valine.
Molecular consequence: missense variant.
Genome position (GRCh38, 1-based): chr13:48,381,420, A>G. VCF-style: chr13-48381420-A-G. GRCh37 (hg19) VCF-style: chr13-48955556-A-G.
Other names: c.1672A>G (NM_000321.2); short protein forms M558V.
Identifiers: ClinVar variation 1439499 (VCV001439499.9), dbSNP rs1419550675, ClinGen allele CA388164011.
Genomic context (GRCh38, chr13:48,381,420, plus strand): 5'-GCAGAAGGCAACTTGACAAGAGAAATGATAAAACATTTAGAACGATGTGAACATCGAATC[A>G]TGGAATCCCTTGCATGGCTCTCAGTAAGTAGCTAAATAATTGAAGAAATTCATTCATGTG-3'
Protein context (NP_000312.2, residues 548-568): KHLERCEHRI[Met558Val]ESLAWLSDSP